The following is an entry in ClinVar:

NM_001211.6(BUB1B):c.1517G>A (p.Arg506Lys)

Gene: BUB1B (BUB1 mitotic checkpoint serine/threonine kinase B; plus strand). Cytogenetic location: 15q15.1.
Variant type: single nucleotide variant.
Coding change: c.1517G>A on transcript NM_001211.6 (MANE Select); coding-DNA position 1517, G replaced by A.
Protein change: p.Arg506Lys; replaces arginine 506 with lysine.
Molecular consequence: missense variant.
Genome position (GRCh38, 1-based): chr15:40,200,359, G>A. VCF-style: chr15-40200359-G-A. GRCh37 (hg19) VCF-style: chr15-40492560-G-A.
Other names: short protein forms R506K.
Identifiers: ClinVar variation 1421882 (VCV001421882.8), dbSNP rs2140900695, ClinGen allele CA391690482.

ClinVar aggregate classification (germline): Uncertain significance (1 of 4 stars; one submission).

Conditions:
Mosaic variegated aneuploidy syndrome 1 (MVA1). Also called: Warburton-Anyane-Yeboa syndrome. Identifiers: Orphanet 1052, MedGen C1850343, MONDO:0009759, OMIM 257300.

Submission:

Labcorp Genetics (formerly Invitae), Labcorp
Classification: Uncertain significance for Mosaic variegated aneuploidy syndrome 1. Last evaluated: 2020-11-11. Review status: criteria provided, single submitter. Criteria: Invitae Variant Classification Sherloc (09022015). Collection method: clinical testing. Allele origin: germline.
Comment: This sequence change replaces arginine with lysine at codon 506 of the BUB1B protein (p.Arg506Lys). The arginine residue is weakly conserved and there is a small physicochemical difference between arginine and lysine. This variant also falls at the last nucleotide of exon 11, which is part of the consensus splice site for this exon. This variant is not present in population databases (ExAC no frequency). This variant has not been reported in the literature in individuals with BUB1B-related conditions. Algorithms developed to predict the effect of missense changes on protein structure and function output the following: SIFT: "Tolerated"; PolyPhen-2: "Benign"; Align-GVGD: "Class C0". The lysine amino acid residue is found in multiple mammalian species, suggesting that this missense change does not adversely affect protein function. These predictions have not been confirmed by published functional studies and their clinical significance is uncertain. Nucleotide substitutions within the consensus splice site are a relatively common cause of aberrant splicing (PMID: 17576681, 9536098). Algorithms developed to predict the effect of sequence changes on RNA splicing suggest that this variant may disrupt the consensus splice site, but this prediction has not been confirmed by published transcriptional studies. In summary, the available evidence is currently insufficient to determine the role of this variant in disease. Therefore, it has been classified as a Variant of Uncertain Significance.

Literature cited by the submitters: PubMed 17576681; PubMed 9536098.